The following is an entry in ClinVar:

ClinVar aggregate classification (germline): Uncertain significance (1 of 4 stars; one submission).

Conditions:
Developmental and epileptic encephalopathy, 31A. Also called: Epileptic encephalopathy, early infantile, 31; Developmental and epileptic encephalopathy, 31. Identifiers: Orphanet 2382, MedGen C4225357, MONDO:0014598, OMIM 616346.

Allele frequency attached by ClinVar (database versions not stated): gnomAD exomes 0.00001; TOPMed 0.00001.
gnomAD v4.1: 9 of 1,613,172 alleles (0.00056%); highest among the groups gnomAD compares: Non-Finnish European, 0.00051%; no homozygotes.

Submission:

Labcorp Genetics (formerly Invitae), Labcorp
Classification: Uncertain significance for Developmental and epileptic encephalopathy, 31A. Last evaluated: 2022-07-11. Review status: criteria provided, single submitter. Criteria: Invitae Variant Classification Sherloc (09022015). Collection method: clinical testing. Allele origin: germline.
Comment: This variant has not been reported in the literature in individuals affected with DNM1-related conditions. This variant is not present in population databases (gnomAD no frequency). This sequence change replaces arginine, which is basic and polar, with cysteine, which is neutral and slightly polar, at codon 228 of the DNM1 protein (p.Arg228Cys). ClinVar contains an entry for this variant (Variation ID: 1019613). In summary, the available evidence is currently insufficient to determine the role of this variant in disease. Therefore, it has been classified as a Variant of Uncertain Significance. Algorithms developed to predict the effect of missense changes on protein structure and function (SIFT, PolyPhen-2, Align-GVGD) all suggest that this variant is likely to be disruptive.

NM_004408.4(DNM1):c.682C>T (p.Arg228Cys)

Gene: DNM1 (dynamin 1; plus strand). Cytogenetic location: 9q34.11.
Variant type: single nucleotide variant.
Coding change: c.682C>T on transcript NM_004408.4 (MANE Select); coding-DNA position 682, C replaced by T.
Protein change: p.Arg228Cys; replaces arginine 228 with cysteine.
Molecular consequence: missense variant.
Genome position (GRCh38, 1-based): chr9:128,220,080, C>T. VCF-style: chr9-128220080-C-T. GRCh37 (hg19) VCF-style: chr9-130982359-C-T.
Other names: c.682C>T, p.Arg228Cys (NM_001005336.3, NM_001288737.2, NM_001288738.2 and 2 more transcripts); short protein forms R228C.
Identifiers: ClinVar variation 1019613 (VCV001019613.9), dbSNP rs1444380018, ClinGen allele CA375012733.